The following is an entry in ClinVar:

NM_004360.5(CDH1):c.1775C>T (p.Ala592Val)

Gene: CDH1 (cadherin 1; plus strand). Cytogenetic location: 16q22.1.
Variant type: single nucleotide variant.
Coding change: c.1775C>T on transcript NM_004360.5 (MANE Select); coding-DNA position 1775, C replaced by T.
Protein change: p.Ala592Val; replaces alanine 592 with valine.
Molecular consequence: missense variant. On other transcripts: 5 prime UTR variant (1).
Genome position (GRCh38, 1-based): chr16:68,822,064, C>T. VCF-style: chr16-68822064-C-T. GRCh37 (hg19) VCF-style: chr16-68855967-C-T.
Other names: c.1592C>T, p.Ala531Val (NM_001317184.2); c.227C>T, p.Ala76Val (NM_001317185.2); c.-191C>T (NM_001317186.2); short protein forms A592V, A76V, A531V.
Identifiers: ClinVar variation 1779866 (VCV001779866.8), dbSNP rs786202059, ClinGen allele CA396466591.
Genomic context (GRCh38, chr16:68,822,064, plus strand): 5'-CTCCAGTTGCTACTGGAACAGGGACACTTCTGCTGATCCTGTCTGATGTGAATGACAACG[C>T]CCCCATACCAGAACCTCGAACTATATTCTTCTGTGAGAGGAATCCAAAGCCTCAGGTCAT-3'
Protein context (NP_004351.1, residues 582-602): LLILSDVNDN[Ala592Val]PIPEPRTIFF

ClinVar aggregate classification (germline): Uncertain significance. Review status: criteria provided, multiple submitters, no conflicts (2 of 4 stars). 2 submissions from 2 submitters: Uncertain significance (2). Last evaluated 2025-07-29.

Conditions:
Hereditary cancer-predisposing syndrome. Also called: Tumor predisposition; Neoplastic Syndromes, Hereditary; Hereditary Cancer Syndrome; Hereditary neoplastic syndrome. Identifiers: Orphanet 140162, MedGen C0027672, MeSH D009386, MONDO:0015356.
Hereditary diffuse gastric adenocarcinoma (HDGC). Also called: DIFFUSE GASTRIC AND LOBULAR BREAST CANCER SYNDROME. Identifiers: Orphanet 26106, MedGen C1708349, MONDO:0007648, OMIM 137215.

Submissions (2):

Ambry Genetics
Classification: Uncertain significance for Hereditary cancer-predisposing syndrome. Last evaluated: 2025-07-29. Review status: criteria provided, single submitter. Criteria: Ambry Variant Classification Scheme 2023. Collection method: clinical testing. Allele origin: germline.
Comment: The p.A592V variant (also known as c.1775C>T), located in coding exon 12 of the CDH1 gene, results from a C to T substitution at nucleotide position 1775. The alanine at codon 592 is replaced by valine, an amino acid with similar properties. This amino acid position is not well conserved in available vertebrate species. In addition, this alteration is predicted to be tolerated by in silico analysis. Based on the available evidence, the clinical significance of this variant remains unclear.

Labcorp Genetics (formerly Invitae), Labcorp
Classification: Uncertain significance for Hereditary diffuse gastric adenocarcinoma. Last evaluated: 2022-03-18. Review status: criteria provided, single submitter. Criteria: Invitae Variant Classification Sherloc (09022015). Collection method: clinical testing. Allele origin: germline.
Comment: This variant is not present in population databases (gnomAD no frequency). This sequence change replaces alanine, which is neutral and non-polar, with valine, which is neutral and non-polar, at codon 592 of the CDH1 protein (p.Ala592Val). This variant has not been reported in the literature in individuals affected with CDH1-related conditions. Algorithms developed to predict the effect of missense changes on protein structure and function are either unavailable or do not agree on the potential impact of this missense change (SIFT: "Deleterious"; PolyPhen-2: "Benign"; Align-GVGD: "Class C15"). In summary, the available evidence is currently insufficient to determine the role of this variant in disease. Therefore, it has been classified as a Variant of Uncertain Significance.